The following is an entry in ClinVar:

ClinVar aggregate classification (germline): Uncertain significance (1 of 4 stars; one submission).

Submission:

Women's Health and Genetics/Laboratory Corporation of America, LabCorp
Classification: Uncertain significance. Last evaluated: 2025-04-15. Review status: criteria provided, single submitter. Criteria: LabCorp Variant Classification Summary - May 2015. Collection method: clinical testing. Allele origin: germline.
Comment: Variant summary: KMT2C c.10654_10655delinsCA (p.Ser3552His) results in a non-conservative amino acid change in the encoded protein sequence. Three of four in-silico tools predict a damaging effect of the variant on protein function. The variant allele was found at a frequency of 1.6e-05 in 251458 control chromosomes. The available data on variant occurrences in the general population are insufficient to allow any conclusion about variant significance. To our knowledge, no occurrence of c.10654_10655delinsCA in individuals affected with Kleefstra Syndrome 2 and no experimental evidence demonstrating its impact on protein function have been reported. No submitters have cited clinical-significance assessments for this variant to ClinVar. Based on the evidence outlined above, the variant was classified as uncertain significance.

NM_170606.3(KMT2C):c.10654_10655delinsCA (p.Ser3552His)

Gene: KMT2C (lysine methyltransferase 2C; minus strand). Cytogenetic location: 7q36.1.
Variant type: Indel.
Coding change: c.10654_10655delinsCA on transcript NM_170606.3 (MANE Select); coding-DNA positions 10654 to 10655, TC replaced by CA.
Protein change: p.Ser3552His; replaces serine 3552 with histidine.
Molecular consequence: missense variant.
Genome position (GRCh38, 1-based): chr7:152,162,922-152,162,923, GA replaced by TG on the plus strand (TC replaced by CA on the coding strand, the reverse complement: KMT2C is on the minus strand). VCF-style: chr7-152162922-GA-TG. GRCh37 (hg19) VCF-style: chr7-151860007-GA-TG.
Other names: short protein forms S3552H.
Identifiers: ClinVar variation 3896249 (VCV003896249.2).